The following is an entry in ClinVar:

ClinVar aggregate classification (germline): Uncertain significance (1 of 4 stars; one submission).

Allele frequency attached by ClinVar (database versions not stated): gnomAD 0.00001.
gnomAD v4.1: 8 of 1,614,046 alleles (0.0005%); highest among the groups gnomAD compares: East Asian, 0.0022%; no homozygotes.

Submission:

Labcorp Genetics (formerly Invitae), Labcorp
Classification: Uncertain significance. Last evaluated: 2023-08-17. Review status: criteria provided, single submitter. Criteria: Invitae Variant Classification Sherloc (09022015). Collection method: clinical testing. Allele origin: germline.
Comment: In summary, the available evidence is currently insufficient to determine the role of this variant in disease. Therefore, it has been classified as a Variant of Uncertain Significance. Advanced modeling of protein sequence and biophysical properties (such as structural, functional, and spatial information, amino acid conservation, physicochemical variation, residue mobility, and thermodynamic stability) performed at Invitae indicates that this missense variant is not expected to disrupt LAMA1 protein function. This variant has not been reported in the literature in individuals affected with LAMA1-related conditions. This variant is present in population databases (rs750276807, gnomAD 0.004%). This sequence change replaces glycine, which is neutral and non-polar, with alanine, which is neutral and non-polar, at codon 2809 of the LAMA1 protein (p.Gly2809Ala).

NM_005559.4(LAMA1):c.8426G>C (p.Gly2809Ala)

Gene: LAMA1 (laminin subunit alpha 1; minus strand). Cytogenetic location: 18p11.31.
Variant type: single nucleotide variant.
Coding change: c.8426G>C on transcript NM_005559.4 (MANE Select); coding-DNA position 8426, G replaced by C.
Protein change: p.Gly2809Ala; replaces glycine 2809 with alanine.
Molecular consequence: missense variant.
Genome position (GRCh38, 1-based): chr18:6,949,231, C>G on the plus strand (G>C on the coding strand, the complement: LAMA1 is on the minus strand). VCF-style: chr18-6949231-C-G. GRCh37 (hg19) VCF-style: chr18-6949230-C-G.
Other names: short protein forms G2809A.
Identifiers: ClinVar variation 2972356 (VCV002972356.3), dbSNP rs750276807, ClinGen allele CA8880478.